The following is an entry in ClinVar:

NM_177438.3(DICER1):c.4046A>T (p.Lys1349Ile)

Gene: DICER1 (dicer 1, ribonuclease III; minus strand). Cytogenetic location: 14q32.13.
Variant type: single nucleotide variant.
Coding change: c.4046A>T on transcript NM_177438.3 (MANE Select); coding-DNA position 4046, A replaced by T.
Protein change: p.Lys1349Ile; replaces lysine 1349 with isoleucine.
Molecular consequence: missense variant. On other transcripts: non-coding transcript variant (6).
Genome position (GRCh38, 1-based): chr14:95,103,350, T>A on the plus strand (A>T on the coding strand, the complement: DICER1 is on the minus strand). VCF-style: chr14-95103350-T-A. GRCh37 (hg19) VCF-style: chr14-95569687-T-A.
Other names: c.4046A>T, p.Lys1349Ile (NM_001195573.1, NM_001271282.3, NM_001291628.2 and 12 more transcripts); c.3764A>T, p.Lys1255Ile (NM_001395686.1); c.3641A>T, p.Lys1214Ile (NM_001395687.1, NM_001395688.1, NM_001395689.1 and 2 more transcripts); c.3479A>T, p.Lys1160Ile (NM_001395691.1); c.2363A>T, p.Lys788Ile (NM_001395697.1); short protein forms K1255I, K788I, K1214I, K1160I, K1349I.
Identifiers: ClinVar variation 5035247 (VCV005035247.1).

ClinVar aggregate classification (germline): Uncertain significance (1 of 4 stars; one submission).

Conditions:
Hereditary cancer-predisposing syndrome. Also called: Hereditary Cancer Syndrome; Neoplastic Syndromes, Hereditary; Tumor predisposition; Hereditary neoplastic syndrome. Identifiers: Orphanet 140162, MedGen C0027672, MeSH D009386, MONDO:0015356.

Submission:

Ambry Genetics
Classification: Uncertain significance for Hereditary cancer-predisposing syndrome. Last evaluated: 2026-07-06. Review status: criteria provided, single submitter. Criteria: Ambry Variant Classification Scheme 2023. Collection method: clinical testing. Allele origin: germline.
Comment: The p.K1349I variant (also known as c.4046A>T), located in coding exon 20 of the DICER1 gene, results from an A to T substitution at nucleotide position 4046. The lysine at codon 1349 is replaced by isoleucine, an amino acid with dissimilar properties. This amino acid position is conserved. In addition, this alteration is predicted to be deleterious by in silico analysis. Based on the available evidence, the clinical significance of this variant remains unclear.